The following is an entry in ClinVar:

ClinVar aggregate classification (germline): Uncertain significance. Review status: criteria provided, multiple submitters, no conflicts (2 of 4 stars). 2 submissions from 2 submitters: Uncertain significance (2). Last evaluated 2025-05-18.

Conditions:
Ataxia-telangiectasia syndrome (AT). Also called: AT, COMPLEMENTATION GROUP C; Cerebello-oculocutaneous telangiectasia; Immunodeficiency with ataxia telangiectasia; Ataxia-telangiectasia, complementation group D; Ataxia-telangiectasia; LOUIS-BAR SYNDROME. Identifiers: Orphanet 100, MedGen C0004135, MONDO:0008840, OMIM 208900.
Hereditary cancer-predisposing syndrome. Also called: Hereditary Cancer Syndrome; Hereditary neoplastic syndrome; Neoplastic Syndromes, Hereditary; Tumor predisposition. Identifiers: Orphanet 140162, MedGen C0027672, MeSH D009386, MONDO:0015356.

Submissions (2):

Labcorp Genetics (formerly Invitae), Labcorp
Classification: Uncertain significance for Ataxia-telangiectasia syndrome. Last evaluated: 2025-05-18. Review status: criteria provided, single submitter. Criteria: Invitae Variant Classification Sherloc (09022015). Collection method: clinical testing. Allele origin: germline.
Comment: This sequence change replaces proline, which is neutral and non-polar, with serine, which is neutral and polar, at codon 1843 of the ATM protein (p.Pro1843Ser). This variant is not present in population databases (gnomAD no frequency). This variant has not been reported in the literature in individuals affected with ATM-related conditions. ClinVar contains an entry for this variant (Variation ID: 3451100). Invitae Evidence Modeling of protein sequence and biophysical properties (such as structural, functional, and spatial information, amino acid conservation, physicochemical variation, residue mobility, and thermodynamic stability) indicates that this missense variant is expected to disrupt ATM protein function with a positive predictive value of 80%. In summary, the available evidence is currently insufficient to determine the role of this variant in disease. Therefore, it has been classified as a Variant of Uncertain Significance.

Ambry Genetics
Classification: Uncertain significance for Hereditary cancer-predisposing syndrome. Last evaluated: 2024-09-02. Review status: criteria provided, single submitter. Criteria: Ambry Variant Classification Scheme 2023. Collection method: clinical testing. Allele origin: germline.
Comment: The p.P1843S variant (also known as c.5527C>T), located in coding exon 36 of the ATM gene, results from a C to T substitution at nucleotide position 5527. The proline at codon 1843 is replaced by serine, an amino acid with similar properties. This amino acid position is conserved. In addition, this alteration is predicted to be deleterious by in silico analysis. Based on the available evidence, the clinical significance of this variant remains unclear.

NM_000051.4(ATM):c.5527C>T (p.Pro1843Ser)

Gene: ATM (ATM serine/threonine kinase; plus strand). Cytogenetic location: 11q22.3.
Variant type: single nucleotide variant.
Coding change: c.5527C>T on transcript NM_000051.4 (MANE Select); coding-DNA position 5527, C replaced by T.
Protein change: p.Pro1843Ser; replaces proline 1843 with serine.
Molecular consequence: missense variant.
Genome position (GRCh38, 1-based): chr11:108,304,705, C>T. VCF-style: chr11-108304705-C-T. GRCh37 (hg19) VCF-style: chr11-108175432-C-T.
Other names: c.5527C>T, p.Pro1843Ser (NM_001351834.2); short protein forms P1843S.
Identifiers: ClinVar variation 3451100 (VCV003451100.2).